The following is an entry in ClinVar:

ClinVar aggregate classification (germline): Uncertain significance. Review status: criteria provided, multiple submitters, no conflicts (2 of 4 stars). 2 submissions from 2 submitters: Uncertain significance (2). Last evaluated 2023-11-03.

Conditions:
Inborn genetic diseases. Identifiers: MedGen C0950123, MeSH D030342.

Submissions (2):

Ambry Genetics
Classification: Uncertain significance for Inborn genetic diseases. Last evaluated: 2023-11-03. Review status: criteria provided, single submitter. Criteria: Ambry Variant Classification Scheme 2023. Collection method: clinical testing. Allele origin: germline.

Labcorp Genetics (formerly Invitae), Labcorp
Classification: Uncertain significance. Last evaluated: 2022-07-16. Review status: criteria provided, single submitter. Criteria: Invitae Variant Classification Sherloc (09022015). Collection method: clinical testing. Allele origin: germline.
Comment: In summary, the available evidence is currently insufficient to determine the role of this variant in disease. Therefore, it has been classified as a Variant of Uncertain Significance. This sequence change replaces phenylalanine, which is neutral and non-polar, with leucine, which is neutral and non-polar, at codon 125 of the C8B protein (p.Phe125Leu). This variant is not present in population databases (gnomAD no frequency). This variant has not been reported in the literature in individuals affected with C8B-related conditions. Algorithms developed to predict the effect of missense changes on protein structure and function are either unavailable or do not agree on the potential impact of this missense change (SIFT: "Deleterious"; PolyPhen-2: "Probably Damaging"; Align-GVGD: "Class C0").

NM_000066.4(C8B):c.375T>G (p.Phe125Leu)

Gene: C8B (complement C8 beta chain; minus strand). Cytogenetic location: 1p32.2.
Variant type: single nucleotide variant.
Coding change: c.375T>G on transcript NM_000066.4 (MANE Select); coding-DNA position 375, T replaced by G.
Protein change: p.Phe125Leu; replaces phenylalanine 125 with leucine.
Molecular consequence: missense variant.
Genome position (GRCh38, 1-based): chr1:56,956,785, A>C on the plus strand (T>G on the coding strand, the complement: C8B is on the minus strand). VCF-style: chr1-56956785-A-C. GRCh37 (hg19) VCF-style: chr1-57422458-A-C.
Other names: c.219T>G, p.Phe73Leu (NM_001278543.2); c.189T>G, p.Phe63Leu (NM_001278544.2); short protein forms F125L, F63L, F73L.
Identifiers: ClinVar variation 1955420 (VCV001955420.6), dbSNP rs2522781743, ClinGen allele CA340510500.